The following is an entry in ClinVar:

NM_030777.4(SLC2A10):c.316G>T (p.Ala106Ser)

Gene: SLC2A10 (solute carrier family 2 member 10; plus strand). Cytogenetic location: 20q13.12.
Variant type: single nucleotide variant.
Coding change: c.316G>T on transcript NM_030777.4 (MANE Select); coding-DNA position 316, G replaced by T.
Protein change: p.Ala106Ser; replaces alanine 106 with serine.
Molecular consequence: missense variant.
Genome position (GRCh38, 1-based): chr20:46,725,352, G>T. VCF-style: chr20-46725352-G-T. GRCh37 (hg19) VCF-style: chr20-45353991-G-T.
Other names: p.A106S:GCT>TCT; short protein forms A106S.
Identifiers: ClinVar variation 139170 (VCV000139170.36), dbSNP rs6094438, ClinGen allele CA293545.

ClinVar aggregate classification (germline): Benign/Likely benign. Review status: criteria provided, multiple submitters, no conflicts (2 of 4 stars). 11 submissions from 11 submitters: Benign (8); Likely benign (2). 1 of the submissions does not count toward it. Last evaluated 2026-09-21.

Conditions:
Familial thoracic aortic aneurysm and aortic dissection (TAAD). Also called: Thoracic aortic aneurysms and dissections. Identifiers: Orphanet 91387, MedGen C4707243, MONDO:0019625.
Arterial tortuosity syndrome (ATORS). Identifiers: Orphanet 3342, MedGen C1859726, MONDO:0008818, OMIM 208050.

Allele frequency attached by ClinVar (database versions not stated): ESP Exome Variant Server 0.00946; 1000 Genomes Project 0.00899; 1000 Genomes Project 30x 0.00937; TOPMed 0.00898.

Submissions (11):

Molecular Diagnostic Laboratory for Inherited Cardiovascular Disease, Montreal Heart Institute
Classification: Likely benign. Last evaluated: 2026-09-21. Review status: criteria provided, single submitter. Criteria: ACMG Guidelines, 2015. Collection method: clinical testing. Allele origin: germline. Affected: no.
Comment: BS1;BP4

Labcorp Genetics (formerly Invitae), Labcorp
Classification: Benign for Arterial tortuosity syndrome. Last evaluated: 2026-02-02. Review status: criteria provided, single submitter. Criteria: Invitae Variant Classification Sherloc (09022015). Collection method: clinical testing. Allele origin: germline.

ARUP Laboratories, Molecular Genetics and Genomics, ARUP Laboratories
Classification: Benign for Arterial tortuosity syndrome. Last evaluated: 2025-02-12. Review status: criteria provided, single submitter. Criteria: ARUP Molecular Germline Variant Investigation Process 2024. Collection method: clinical testing. Allele origin: germline.

Mayo Clinic Laboratories, Mayo Clinic
Classification: Benign. Last evaluated: 2023-11-08. Review status: criteria provided, single submitter. Criteria: ACMG Guidelines, 2015. Collection method: clinical testing. Allele origin: germline. Observed: 9 variant alleles.
Comment: BS1, BS2, BP4

Women's Health and Genetics/Laboratory Corporation of America, LabCorp
Classification: Likely benign. Last evaluated: 2021-11-07. Review status: criteria provided, single submitter. Criteria: LabCorp Variant Classification Summary - May 2015. Collection method: clinical testing. Allele origin: germline.

Illumina Laboratory Services, Illumina
Classification: Benign for Arterial tortuosity syndrome. Last evaluated: 2018-01-13. Review status: criteria provided, single submitter. Criteria: ICSL Variant Classification Criteria 13 December 2019. Collection method: clinical testing. Allele origin: germline.
Comment: This variant was observed in the ICSL laboratory as part of a predisposition screen in an ostensibly healthy population. It had not been previously curated by ICSL or reported in the Human Gene Mutation Database (HGMD: prior to June 1st, 2018), and was therefore a candidate for classification through an automated scoring system. Utilizing variant allele frequency, disease prevalence and penetrance estimates, and inheritance mode, an automated score was calculated to assess if this variant is too frequent to cause the disease. Based on the score and internal cut-off values, a variant classified as benign is not then subjected to further curation. The score for this variant resulted in a classification of benign for this disease.

Clinical Genetics DNA and cytogenetics Diagnostics Lab, Erasmus MC, Erasmus Medical Center
Classification: Benign for Arterial tortuosity syndrome. Last evaluated: 2017-07-12. Review status: criteria provided, single submitter. Criteria: ACGS Guidelines, 2013. Collection method: clinical testing. Allele origin: germline. Affected: yes. Study: VKGL Data-share Consensus.

CHEO Genetics Diagnostic Laboratory, Children's Hospital of Eastern Ontario
Classification: Benign for Familial thoracic aortic aneurysm and aortic dissection. Last evaluated: 2017-03-21. Review status: criteria provided, single submitter. Criteria: ACMG Guidelines, 2015. Collection method: clinical testing. Allele origin: germline. Study: Canadian Open Genetics Repository.

Ambry Genetics
Classification: Benign for Familial thoracic aortic aneurysm and aortic dissection. Last evaluated: 2015-01-02. Review status: criteria provided, single submitter. Criteria: Ambry Variant Classification Scheme 2023. Collection method: clinical testing. Allele origin: germline.

GeneDx
Classification: Benign. Last evaluated: 2013-02-01. Review status: criteria provided, single submitter. Criteria: GeneDx Variant Classification (06012015). Collection method: clinical testing. Allele origin: germline. Affected: yes.
Comment: This variant is considered likely benign or benign based on one or more of the following criteria: it is a conservative change, it occurs at a poorly conserved position in the protein, it is predicted to be benign by multiple in silico algorithms, and/or has population frequency not consistent with disease.

Genome Diagnostics Laboratory, Amsterdam University Medical Center
Classification: Benign for Arterial tortuosity syndrome. Last evaluated: 2016-09-29. Review status: no assertion criteria provided. Criteria: ACGS Guidelines, 2013. Collection method: clinical testing. Allele origin: germline. Affected: yes. Study: VKGL Data-share Consensus. Not counted in ClinVar's aggregate classification.